The following is an entry in ClinVar:

ClinVar aggregate classification (germline): Benign. Review status: criteria provided, multiple submitters, no conflicts (2 of 4 stars). 4 submissions from 4 submitters: Benign (3). 1 of the submissions does not count toward it. Last evaluated 2026-09-01.

Conditions:
TCF20-related disorder. Also called: TCF20-related condition.

Allele frequency attached by ClinVar (database versions not stated): gnomAD 0.00280 and 0.00300; TOPMed 0.00295; ESP Exome Variant Server 0.00308; ExAC 0.00343; gnomAD exomes 0.00348 and 0.00377; 1000 Genomes Project 0.00359; 1000 Genomes Project 30x 0.00359.
gnomAD v4.1: 5,980 of 1,613,994 alleles (0.37%); highest among the groups gnomAD compares: Middle Eastern, 1.3%; 31 homozygotes.

Submissions (4):

CeGaT Center for Human Genetics Tuebingen
Classification: Benign. Last evaluated: 2026-09-01. Review status: criteria provided, single submitter. Criteria: CeGaT Center For Human Genetics Tuebingen Variant Classification Criteria Version 2. Collection method: clinical testing. Allele origin: germline. Affected: yes. Observed: 23 variant alleles.
Comment: TCF20: BP4, BP7, BS1, BS2

Labcorp Genetics (formerly Invitae), Labcorp
Classification: Benign. Last evaluated: 2026-01-21. Review status: criteria provided, single submitter. Criteria: Invitae Variant Classification Sherloc (09022015). Collection method: clinical testing. Allele origin: germline.

Breakthrough Genomics
Classification: Benign. Review status: criteria provided, single submitter. Criteria: ACMG Guidelines, 2015. Collection method: not provided. Allele origin: germline. Inheritance: Autosomal dominant inheritance. Affected: yes.

PreventionGenetics, part of Exact Sciences
Classification: Benign for TCF20-related condition. Last evaluated: 2020-10-13. Review status: no assertion criteria provided. Collection method: clinical testing. Allele origin: germline. Not counted in ClinVar's aggregate classification.
Comment: This variant is classified as benign based on ACMG/AMP sequence variant interpretation guidelines (Richards et al. 2015 PMID: 25741868, with internal and published modifications).

NM_001378418.1(TCF20):c.4407A>G (p.Ser1469=)

Gene: TCF20 (transcription factor 20; minus strand). Cytogenetic location: 22q13.2.
Variant type: single nucleotide variant.
Coding change: c.4407A>G on transcript NM_001378418.1 (MANE Select); coding-DNA position 4407, A replaced by G.
Protein change: p.Ser1469=; no amino-acid change (serine 1469 retained).
Molecular consequence: synonymous variant.
Genome position (GRCh38, 1-based): chr22:42,210,899, T>C on the plus strand (A>G on the coding strand, the complement: TCF20 is on the minus strand). VCF-style: chr22-42210899-T-C. GRCh37 (hg19) VCF-style: chr22-42606905-T-C.
Other names: c.4407A>G, p.Ser1469= (NM_005650.4, NM_181492.3).
Identifiers: ClinVar variation 779051 (VCV000779051.41), dbSNP rs140619869, ClinGen allele CA10266645.